The following is an entry in ClinVar:

NM_000168.6(GLI3):c.2512G>A (p.Val838Ile)

Gene: GLI3 (GLI family zinc finger 3; minus strand). Cytogenetic location: 7p14.1.
Variant type: single nucleotide variant.
Coding change: c.2512G>A on transcript NM_000168.6 (MANE Select); coding-DNA position 2512, G replaced by A.
Protein change: p.Val838Ile; replaces valine 838 with isoleucine.
Molecular consequence: missense variant.
Genome position (GRCh38, 1-based): chr7:41,966,561, C>T on the plus strand (G>A on the coding strand, the complement: GLI3 is on the minus strand). VCF-style: chr7-41966561-C-T. GRCh37 (hg19) VCF-style: chr7-42006159-C-T.
Other names: short protein forms V838I.
Identifiers: ClinVar variation 4979126 (VCV004979126.1).

ClinVar aggregate classification (germline): Uncertain significance (1 of 4 stars; one submission).

Conditions:
GLI3-related disorder. Also called: GLI3-related condition; GLI3-related disorders. Identifiers: MedGen CN239292.

gnomAD v4.1: 1 of 1,614,046 alleles (0.000062%); no homozygotes.

Submission:

PreventionGenetics, part of Exact Sciences
Classification: Uncertain significance for GLI3-related condition. Last evaluated: 2025-04-04. Review status: criteria provided, single submitter. Criteria: ACMG Guidelines, 2015. Collection method: clinical testing. Allele origin: germline.
Comment: The GLI3 c.2512G>A variant is predicted to result in the amino acid substitution p.Val838Ile. To our knowledge, this variant has not been reported in the literature or in a large population database (gnomAD), indicating this variant is rare. An alternate nucleotide change affecting the same amino acid (c.2513T>G, p.Val838Gly) has been reported in an individual with renal agenesis (Table S4, Sanna-Cherchi et al. 2017. PubMed ID: 29100090). At this time, the clinical significance of this variant is uncertain due to the absence of conclusive functional and genetic evidence.